The following is an entry in ClinVar:

ClinVar aggregate classification (germline): Pathogenic (1 of 4 stars; one submission).

Submission:

Labcorp Genetics (formerly Invitae), Labcorp
Classification: Pathogenic. Last evaluated: 2023-05-16. Review status: criteria provided, single submitter. Criteria: Invitae Variant Classification Sherloc (09022015). Collection method: clinical testing. Allele origin: germline.
Comment: For these reasons, this variant has been classified as Pathogenic. This variant has not been reported in the literature in individuals affected with PUS1-related conditions. This variant is not present in population databases (gnomAD no frequency). This sequence change creates a premature translational stop signal (p.Ser123Glnfs*12) in the PUS1 gene. It is expected to result in an absent or disrupted protein product. Loss-of-function variants in PUS1 are known to be pathogenic (PMID: 17056637, 19731322, 25058219, 26556812).

Literature cited by the submitters: PubMed 17056637; PubMed 19731322; PubMed 25058219; PubMed 26556812.

NM_025215.6(PUS1):c.367del (p.Ser123fs)

Genes: PUS1 (pseudouridine synthase 1; plus strand), LOC132090059 (Neanderthal introgressed variant-containing enhancer experimental_25941; plus strand). Cytogenetic location: 12q24.33.
Variant type: Deletion.
Coding change: c.367del on transcript NM_025215.6 (MANE Select); coding-DNA position 367, one base deleted (T; older notation c.367delT).
Protein change: p.Ser123fs; shifts the reading frame from serine 123.
Molecular consequence: frameshift variant.
Genome position (GRCh38, 1-based): chr12:131,932,238, T deleted. VCF-style (leftmost placement, unchanged base first): chr12-131932237-GT-G. GRCh37 (hg19) VCF-style: chr12-132416782-GT-G.
Other names: c.283del, p.Ser95fs (NM_001002019.3, NM_001002020.3); short protein forms S123fs, S95fs.
Identifiers: ClinVar variation 2864844 (VCV002864844.3), dbSNP rs2540862725, ClinGen allele CA2739277354.
Genomic context (GRCh38, chr12:131,932,237, plus strand): 5'-GAATGTCGGGTCCTCACAATTCAAAACAATTGAAGATGACTTGGTGTCCGCCCTCGTCCG[GT>G]CAGGCTGTATTCCTGAAAATCATGGTGAGGACATGAGGAAAATGTCCTTCCAGCGCTGCG-3'